The following is an entry in ClinVar:

NM_001429.4(EP300):c.6775G>A (p.Ala2259Thr)

Gene: EP300 (EP300 lysine acetyltransferase; plus strand). Cytogenetic location: 22q13.2.
Variant type: single nucleotide variant.
Coding change: c.6775G>A on transcript NM_001429.4 (MANE Select); coding-DNA position 6775, G replaced by A.
Protein change: p.Ala2259Thr; replaces alanine 2259 with threonine.
Molecular consequence: missense variant.
Genome position (GRCh38, 1-based): chr22:41,178,486, G>A. VCF-style: chr22-41178486-G-A. GRCh37 (hg19) VCF-style: chr22-41574490-G-A.
Other names: c.6697G>A, p.Ala2233Thr (NM_001362843.2); short protein forms A2259T, A2233T.
Identifiers: ClinVar variation 2080651 (VCV002080651.20), dbSNP rs374908361, ClinGen allele CA10253948.

ClinVar aggregate classification (germline): Likely benign. Review status: criteria provided, multiple submitters, no conflicts (2 of 4 stars). 4 submissions from 4 submitters: Likely benign (3). 1 of the submissions does not count toward it. Last evaluated 2025-04-01.

Conditions:
Menke-Hennekam syndrome 2 (MKHK2). Identifiers: MedGen C5193035, MONDO:0020769, OMIM 618333.
Rubinstein-Taybi syndrome due to EP300 haploinsufficiency. Also called: RUBINSTEIN-TAYBI SYNDROME 2; EP300-Related Rubinstein-Taybi Syndrome. Identifiers: Orphanet 353284, Orphanet 783, MedGen C3150941, MONDO:0013364, OMIM 613684.

Allele frequency attached by ClinVar (database versions not stated): gnomAD 0.00001; gnomAD exomes 0.00001; TOPMed 0.00001; ExAC 0.00002; ESP Exome Variant Server 0.00008.
gnomAD v4.1: 15 of 1,613,898 alleles (0.00093%); highest among the groups gnomAD compares: Non-Finnish European, 0.0012%; no homozygotes.

Submissions (4):

CeGaT Center for Human Genetics Tuebingen
Classification: Likely benign. Last evaluated: 2025-04-01. Review status: criteria provided, single submitter. Criteria: CeGaT Center For Human Genetics Tuebingen Variant Classification Criteria Version 2. Collection method: clinical testing. Allele origin: germline. Affected: yes. Observed: 2 variant alleles.
Comment: EP300: BP4

Labcorp Genetics (formerly Invitae), Labcorp
Classification: Likely benign for Rubinstein-Taybi syndrome due to EP300 haploinsufficiency. Last evaluated: 2024-09-23. Review status: criteria provided, single submitter. Criteria: Invitae Variant Classification Sherloc (09022015). Collection method: clinical testing. Allele origin: germline.

Blueprint Genetics
Classification: Likely benign. Last evaluated: 2024-08-30. Review status: criteria provided, single submitter. Criteria: ACMG Guidelines, 2015. Collection method: clinical testing. Allele origin: germline.

Zotz-Klimas Genetics Lab, MVZ Zotz Klimas
Classification: Uncertain significance for Menke-Hennekam syndrome 2. Last evaluated: 2023-10-30. Review status: no assertion criteria provided. Collection method: clinical testing. Allele origin: germline. Affected: yes. Not counted in ClinVar's aggregate classification.